The following is an entry in ClinVar:

NM_001875.5(CPS1):c.2896-3del

Gene: CPS1 (carbamoyl-phosphate synthase 1; plus strand). Cytogenetic location: 2q34.
Variant type: Deletion.
Coding change: c.2896-3del on transcript NM_001875.5 (MANE Select); 3 bases into the intron before coding-DNA position 2896, one base deleted (C; older notation c.2896-3delC).
Molecular consequence: intron variant.
Genome position (GRCh38, 1-based): chr2:210,639,993, C deleted. VCF-style (leftmost placement, unchanged base first): chr2-210639992-TC-T. GRCh37 (hg19) VCF-style: chr2-211504716-TC-T.
Other names: c.2896-3del (NM_001369257.1, NM_001122633.3); c.2929-3del (NM_001369256.1).
Identifiers: ClinVar variation 1943275 (VCV001943275.3), dbSNP rs2469268531, ClinGen allele CA2580065543.

ClinVar aggregate classification (germline): Uncertain significance (1 of 4 stars; one submission).

Conditions:
Congenital hyperammonemia, type I. Also called: Carbamoyl-phosphate synthase I deficiency; CPS I DEFICIENCY; Carbamoyl phosphate synthetase I deficiency disease; Carbamoyl phosphate synthetase 1 deficiency; Hyperammonemia due to carbamoyl phosphate synthetase 1 deficiency; CPS 1 deficiency. Identifiers: Orphanet 147, MedGen C4082171, MONDO:0009376, OMIM 237300.

Submission:

Labcorp Genetics (formerly Invitae), Labcorp
Classification: Uncertain significance for Congenital hyperammonemia, type I. Last evaluated: 2025-12-08. Review status: criteria provided, single submitter. Criteria: Invitae Variant Classification Sherloc (09022015). Collection method: clinical testing. Allele origin: germline.
Comment: This sequence change falls in intron 23 of the CPS1 gene. It does not directly change the encoded amino acid sequence of the CPS1 protein. It affects a nucleotide within the consensus splice site. This variant is not present in population databases (gnomAD no frequency). This variant has not been reported in the literature in individuals affected with CPS1-related conditions. ClinVar contains an entry for this variant (Variation ID: 1943275). Variants that disrupt the consensus splice site are a relatively common cause of aberrant splicing (PMID: 17576681, 9536098). Algorithms developed to predict the effect of sequence changes on RNA splicing suggest that this variant is not likely to affect RNA splicing. In summary, the available evidence is currently insufficient to determine the role of this variant in disease. Therefore, it has been classified as a Variant of Uncertain Significance.

Literature cited by the submitters: PubMed 17576681; PubMed 9536098.